The following is an entry in ClinVar:

ClinVar aggregate classification (germline): Benign. Review status: criteria provided, single submitter (1 of 4 stars). 2 submissions from 2 submitters: Benign (1). 1 of the submissions does not count toward it. Last evaluated 2025-10-19.

Conditions:
ATP2C1-related disorder. Also called: ATP2C1-related condition.

Allele frequency attached by ClinVar (database versions not stated): gnomAD exomes 0.00119; ExAC 0.00130; 1000 Genomes Project 0.00419; 1000 Genomes Project 30x 0.00453; gnomAD 0.00454 and 0.00490; ESP Exome Variant Server 0.00486; TOPMed 0.00539.
gnomAD v4.1: 1,291 of 1,428,998 alleles (0.09%); highest among the groups gnomAD compares: African/African-American, 1.7%; 7 homozygotes.

Submissions (2):

Labcorp Genetics (formerly Invitae), Labcorp
Classification: Benign. Last evaluated: 2025-10-19. Review status: criteria provided, single submitter. Criteria: Invitae Variant Classification Sherloc (09022015). Collection method: clinical testing. Allele origin: germline.

PreventionGenetics, part of Exact Sciences
Classification: Benign for ATP2C1-related condition. Last evaluated: 2019-08-01. Review status: no assertion criteria provided. Collection method: clinical testing. Allele origin: germline. Not counted in ClinVar's aggregate classification.
Comment: This variant is classified as benign based on ACMG/AMP sequence variant interpretation guidelines (Richards et al. 2015 PMID: 25741868, with internal and published modifications).

NM_001378687.1(ATP2C1):c.2058-20C>G

Gene: ATP2C1 (ATPase secretory pathway Ca2+ transporting 1; plus strand). Cytogenetic location: 3q22.1.
Variant type: single nucleotide variant.
Coding change: c.2058-20C>G on transcript NM_001378687.1 (MANE Select); 20 bases into the intron before coding-DNA position 2058, C replaced by G.
Molecular consequence: intron variant.
Genome position (GRCh38, 1-based): chr3:130,996,023, C>G. VCF-style: chr3-130996023-C-G. GRCh37 (hg19) VCF-style: chr3-130714867-C-G.
Other names: c.2058-20C>G (NM_014382.3, NM_001001486.2, NM_001001487.2 and 6 more transcripts); c.2160-20C>G (NM_001378511.1, NM_001199180.2, NM_001199181.3); c.2043-20C>G (NM_001199182.2); c.2010-20C>G (NM_001378514.1, NM_001199183.2, NM_001199184.3).
Identifiers: ClinVar variation 1598576 (VCV001598576.10), dbSNP rs72987807, ClinGen allele CA2615291.
Genomic context (GRCh38, chr3:130,996,023, plus strand): 5'-TTAGCTCTACAGTGTTTTAGTATAGATACATTTTTGTATGATAATATTTTCTCACTTCAT[C>G]TTTATTTTTTAAATTTCAGGTCTGCAATCGAAGAGGGTAAAGGGATTTATAATAACATTA-3'